The following is an entry in ClinVar:

NM_002519.3(NPAT):c.206T>C (p.Met69Thr)

Gene: NPAT (nuclear protein, coactivator of histone transcription; minus strand). Cytogenetic location: 11q22.3.
Variant type: single nucleotide variant.
Coding change: c.206T>C on transcript NM_002519.3 (MANE Select); coding-DNA position 206, T replaced by C.
Protein change: p.Met69Thr; replaces methionine 69 with threonine.
Molecular consequence: missense variant.
Genome position (GRCh38, 1-based): chr11:108,193,968, A>G on the plus strand (T>C on the coding strand, the complement: NPAT is on the minus strand). VCF-style: chr11-108193968-A-G. GRCh37 (hg19) VCF-style: chr11-108064695-A-G.
Other names: c.206T>C, p.Met69Thr (NM_001321307.1); short protein forms M69T.
Identifiers: ClinVar variation 1785368 (VCV001785368.2), dbSNP rs1238772876, ClinGen allele CA382526787.

ClinVar aggregate classification (germline): Uncertain significance (1 of 4 stars; one submission).

Allele frequency attached by ClinVar (database versions not stated): gnomAD exomes below 0.00001; TOPMed 0.00001.
gnomAD v4.1: 5 of 1,572,816 alleles (0.00032%); highest among the groups gnomAD compares: East Asian, 0.0022%; no homozygotes.

Submission:

Ambry Genetics
Classification: Uncertain significance. Last evaluated: 2022-06-14. Review status: criteria provided, single submitter. Criteria: Ambry Variant Classification Scheme 2023. Collection method: clinical testing. Allele origin: germline.
Comment: The p.M69T variant (also known as c.206T>C), located in coding exon 3 of the NPAT gene, results from a T to C substitution at nucleotide position 206. The methionine at codon 69 is replaced by threonine, an amino acid with similar properties. This amino acid position is conserved. In addition, this alteration is predicted to be tolerated by in silico analysis. Since supporting evidence is limited at this time, the clinical significance of this alteration remains unclear.